The following is an entry in ClinVar:

NM_020822.3(KCNT1):c.3338C>A (p.Ala1113Asp)

Gene: KCNT1 (potassium sodium-activated channel subfamily T member 1; plus strand). Cytogenetic location: 9q34.3.
Variant type: single nucleotide variant.
Coding change: c.3338C>A on transcript NM_020822.3 (MANE Select); coding-DNA position 3338, C replaced by A.
Protein change: p.Ala1113Asp; replaces alanine 1113 with aspartic acid.
Molecular consequence: missense variant.
Genome position (GRCh38, 1-based): chr9:135,786,357, C>A. VCF-style: chr9-135786357-C-A. GRCh37 (hg19) VCF-style: chr9-138678203-C-A.
Other names: c.3203C>A, p.Ala1068Asp (NM_001272003.2); short protein forms A1068D, A1113D.
Identifiers: ClinVar variation 802536 (VCV000802536.10), dbSNP rs1193627908, ClinGen allele CA375491754.
Genomic context (GRCh38, chr9:135,786,357, plus strand): 5'-ACACGGGCGGCGGTGACCCCGCAGAGCACCCACTGCTACGGCGCAAGAGCCTGCAGTGGG[C>A]CCGGAGGCTGAGCCGCAAGGCGCCCAAGCAGGCAGGCCGGGCGGCGGCCGCGGAGTGGAT-3'
Protein context (NP_065873.2, residues 1103-1123): PLLRRKSLQW[Ala1113Asp]RRLSRKAPKQ

ClinVar aggregate classification (germline): Uncertain significance. Review status: criteria provided, multiple submitters, no conflicts (2 of 4 stars). 2 submissions from 2 submitters: Uncertain significance (2). Last evaluated 2025-03-30.

Conditions:
Autosomal dominant nocturnal frontal lobe epilepsy 5. Also called: KCNT1-Related Epilepsy; Epilepsy, nocturnal frontal lobe, 5; CILIARY DYSKINESIA, PRIMARY, 28, WITHOUT SITUS INVERSUS; CILIARY DYSKINESIA, PRIMARY, 28, WITH SITUS INVERSUS. Identifiers: Orphanet 98784, MedGen C3554306, MONDO:0014002, OMIM 615005.
Developmental and epileptic encephalopathy, 14 (DEE14). Also called: Early infantile epileptic encephalopathy 14. Identifiers: Orphanet 293181, MedGen C3554195, MONDO:0013989, OMIM 614959.

Allele frequency attached by ClinVar (database versions not stated): gnomAD exomes below 0.00001; TOPMed 0.00002.
gnomAD v4.1: 7 of 1,582,944 alleles (0.00044%); highest among the groups gnomAD compares: Admixed American, 0.0018%; no homozygotes.

Submissions (2):

Labcorp Genetics (formerly Invitae), Labcorp
Classification: Uncertain significance for Autosomal dominant nocturnal frontal lobe epilepsy 5; Developmental and epileptic encephalopathy, 14. Last evaluated: 2025-03-30. Review status: criteria provided, single submitter. Criteria: Invitae Variant Classification Sherloc (09022015). Collection method: clinical testing. Allele origin: germline.
Comment: This sequence change replaces alanine, which is neutral and non-polar, with aspartic acid, which is acidic and polar, at codon 1113 of the KCNT1 protein (p.Ala1113Asp). This variant is not present in population databases (gnomAD no frequency). This variant has not been reported in the literature in individuals affected with KCNT1-related conditions. ClinVar contains an entry for this variant (Variation ID: 802536). Invitae Evidence Modeling of protein sequence and biophysical properties (such as structural, functional, and spatial information, amino acid conservation, physicochemical variation, residue mobility, and thermodynamic stability) indicates that this missense variant is not expected to disrupt KCNT1 protein function with a negative predictive value of 80%. In summary, the available evidence is currently insufficient to determine the role of this variant in disease. Therefore, it has been classified as a Variant of Uncertain Significance.

Mendelics
Classification: Uncertain significance for Developmental and epileptic encephalopathy, 14. Last evaluated: 2024-08-22. Review status: criteria provided, single submitter. Criteria: Mendelics Assertion Criteria 2017. Collection method: clinical testing. Allele origin: unknown.
Comment: Frequent variant in population.